The following is an entry in ClinVar:

NM_199355.4(ADAMTS18):c.184G>A (p.Val62Ile)

Gene: ADAMTS18 (ADAM metallopeptidase with thrombospondin type 1 motif 18; minus strand). Cytogenetic location: 16q23.1.
Variant type: single nucleotide variant.
Coding change: c.184G>A on transcript NM_199355.4 (MANE Select); coding-DNA position 184, G replaced by A.
Protein change: p.Val62Ile; replaces valine 62 with isoleucine.
Molecular consequence: missense variant. On other transcripts: 5 prime UTR variant (1).
Genome position (GRCh38, 1-based): chr16:77,431,606, C>T on the plus strand (G>A on the coding strand, the complement: ADAMTS18 is on the minus strand). VCF-style: chr16-77431606-C-T. GRCh37 (hg19) VCF-style: chr16-77465503-C-T.
Other names: c.-337G>A (NM_001326358.2); short protein forms V62I.
Identifiers: ClinVar variation 1055637 (VCV001055637.7), dbSNP rs113979389, ClinGen allele CA8181750.

ClinVar aggregate classification (germline): Uncertain significance (1 of 4 stars; one submission).

Allele frequency attached by ClinVar (database versions not stated): gnomAD 0.00030 and 0.00032; 1000 Genomes Project 30x 0.00031; TOPMed 0.00034; ESP Exome Variant Server 0.00038; 1000 Genomes Project 0.00040.
gnomAD v4.1: 98 of 1,613,920 alleles (0.0061%); highest among the groups gnomAD compares: African/African-American, 0.11%; no homozygotes.

Submission:

Labcorp Genetics (formerly Invitae), Labcorp
Classification: Uncertain significance. Last evaluated: 2023-10-03. Review status: criteria provided, single submitter. Criteria: Invitae Variant Classification Sherloc (09022015). Collection method: clinical testing. Allele origin: germline.
Comment: This sequence change replaces valine, which is neutral and non-polar, with isoleucine, which is neutral and non-polar, at codon 62 of the ADAMTS18 protein (p.Val62Ile). This variant is present in population databases (rs113979389, gnomAD 0.1%). This variant has not been reported in the literature in individuals affected with ADAMTS18-related conditions. ClinVar contains an entry for this variant (Variation ID: 1055637). An algorithm developed to predict the effect of missense changes on protein structure and function (PolyPhen-2) suggests that this variant¬†is likely to be tolerated. In summary, the available evidence is currently insufficient to determine the role of this variant in disease. Therefore, it has been classified as a Variant of Uncertain Significance.